The following is an entry in ClinVar:

NM_138576.4(BCL11B):c.29A>T (p.Gln10Leu)

Gene: BCL11B (BCL11 transcription factor B; minus strand). Cytogenetic location: 14q32.2.
Variant type: single nucleotide variant.
Coding change: c.29A>T on transcript NM_138576.4 (MANE Select); coding-DNA position 29, A replaced by T.
Protein change: p.Gln10Leu; replaces glutamine 10 with leucine.
Molecular consequence: missense variant.
Genome position (GRCh38, 1-based): chr14:99,271,190, T>A on the plus strand (A>T on the coding strand, the complement: BCL11B is on the minus strand). VCF-style: chr14-99271190-T-A. GRCh37 (hg19) VCF-style: chr14-99737527-T-A.
Other names: c.29A>T, p.Gln10Leu (NM_001282237.2, NM_001282238.2, NM_022898.3); short protein forms Q10L.
Identifiers: ClinVar variation 3620074 (VCV003620074.2).

ClinVar aggregate classification (germline): Uncertain significance (1 of 4 stars; one submission).

Submission:

Labcorp Genetics (formerly Invitae), Labcorp
Classification: Uncertain significance. Last evaluated: 2024-06-07. Review status: criteria provided, single submitter. Criteria: Invitae Variant Classification Sherloc (09022015). Collection method: clinical testing. Allele origin: germline.
Comment: This sequence change replaces glutamine, which is neutral and polar, with leucine, which is neutral and non-polar, at codon 10 of the BCL11B protein (p.Gln10Leu). This variant is not present in population databases (gnomAD no frequency). This variant has not been reported in the literature in individuals affected with BCL11B-related conditions. An algorithm developed to predict the effect of missense changes on protein structure and function (PolyPhen-2) suggests that this variant is likely to be tolerated. In summary, the available evidence is currently insufficient to determine the role of this variant in disease. Therefore, it has been classified as a Variant of Uncertain Significance.